The following is an entry in ClinVar:

NM_152309.3(PIK3AP1):c.2120C>T (p.Thr707Met)

Gene: PIK3AP1 (phosphoinositide-3-kinase adaptor protein 1; minus strand). Cytogenetic location: 10q24.1.
Variant type: single nucleotide variant.
Coding change: c.2120C>T on transcript NM_152309.3 (MANE Select); coding-DNA position 2120, C replaced by T.
Protein change: p.Thr707Met; replaces threonine 707 with methionine.
Molecular consequence: missense variant.
Genome position (GRCh38, 1-based): chr10:96,609,762, G>A on the plus strand (C>T on the coding strand, the complement: PIK3AP1 is on the minus strand). VCF-style: chr10-96609762-G-A. GRCh37 (hg19) VCF-style: chr10-98369519-G-A.
Other names: short protein forms T707M.
Identifiers: ClinVar variation 958927 (VCV000958927.12), dbSNP rs201595275, ClinGen allele CA5626060.
Genomic context (GRCh38, chr10:96,609,762, plus strand): 5'-AGCTGCTCACTTGCTGTGCTGGAGGTGCTGTCTGTTTTCCAGTCTCCTCGTCTCAGCTCC[G>A]TCCTAGGGGGAATGACACTTTTCCTGGGGCCACTCTCATAGACTCCAAACTCCACTTTTG-3'
Protein context (NP_689522.2, residues 697-717): GPRKSVIPPR[Thr707Met]ELRRGDWKTD

ClinVar aggregate classification (germline): Uncertain significance. Review status: criteria provided, multiple submitters, no conflicts (2 of 4 stars). 2 submissions from 2 submitters: Uncertain significance (2). Last evaluated 2025-10-18.

Conditions:
Infantile spasms. Also called: Infantile spasm. Identifiers: MedGen C3887898, HP:0012469.

Allele frequency attached by ClinVar (database versions not stated): gnomAD 0.00013 and 0.00016; ESP Exome Variant Server 0.00015; TOPMed 0.00015; gnomAD exomes 0.00018 and 0.00019; ExAC 0.00019; 1000 Genomes Project 0.00020; 1000 Genomes Project 30x 0.00031.

Submissions (2):

Labcorp Genetics (formerly Invitae), Labcorp
Classification: Uncertain significance for Infantile spasms. Last evaluated: 2025-10-18. Review status: criteria provided, single submitter. Criteria: Invitae Variant Classification Sherloc (09022015). Collection method: clinical testing. Allele origin: germline.
Comment: This sequence change replaces threonine, which is neutral and polar, with methionine, which is neutral and non-polar, at codon 707 of the PIK3AP1 protein (p.Thr707Met). This variant is present in population databases (rs201595275, gnomAD 0.04%), and has an allele count higher than expected for a pathogenic variant. This variant has not been reported in the literature in individuals affected with PIK3AP1-related conditions. ClinVar contains an entry for this variant (Variation ID: 958927). An algorithm developed to predict the effect of missense changes on protein structure and function outputs the following: PolyPhen-2: "Benign". The methionine amino acid residue is found in multiple mammalian species, which suggests that this missense change does not adversely affect protein function. In summary, the available evidence is currently insufficient to determine the role of this variant in disease. Therefore, it has been classified as a Variant of Uncertain Significance.

Ambry Genetics
Classification: Uncertain significance. Last evaluated: 2025-04-14. Review status: criteria provided, single submitter. Criteria: Ambry Variant Classification Scheme 2023. Collection method: clinical testing. Allele origin: germline.